The following is an entry in ClinVar:

ClinVar aggregate classification (germline): Uncertain significance (1 of 4 stars; one submission).

Allele frequency attached by ClinVar (database versions not stated): gnomAD exomes below 0.00001.
gnomAD v4.1: 1 of 1,614,096 alleles (0.000062%); highest among the groups gnomAD compares: East Asian, 0.0022%; no homozygotes.

Submission:

Ambry Genetics
Classification: Uncertain significance. Last evaluated: 2023-04-11. Review status: criteria provided, single submitter. Criteria: Ambry Variant Classification Scheme 2023. Collection method: clinical testing. Allele origin: germline.
Comment: The p.T532A variant (also known as c.1594A>G), located in coding exon 1 of the MLH3 gene, results from an A to G substitution at nucleotide position 1594. The threonine at codon 532 is replaced by alanine, an amino acid with similar properties. This amino acid position is conserved. In addition, this alteration is predicted to be tolerated by in silico analysis. Since supporting evidence is limited at this time, the clinical significance of this alteration remains unclear.

NM_001040108.2(MLH3):c.1594A>G (p.Thr532Ala)

Gene: MLH3 (mutL homolog 3; minus strand). Cytogenetic location: 14q24.3.
Variant type: single nucleotide variant.
Coding change: c.1594A>G on transcript NM_001040108.2 (MANE Select); coding-DNA position 1594, A replaced by G.
Protein change: p.Thr532Ala; replaces threonine 532 with alanine.
Molecular consequence: missense variant.
Genome position (GRCh38, 1-based): chr14:75,048,062, T>C on the plus strand (A>G on the coding strand, the complement: MLH3 is on the minus strand). VCF-style: chr14-75048062-T-C. GRCh37 (hg19) VCF-style: chr14-75514765-T-C.
Other names: c.1594A>G, p.Thr532Ala (NM_014381.3); short protein forms T532A.
Identifiers: ClinVar variation 2563535 (VCV002563535.2), dbSNP rs2503291517, ClinGen allele CA390444923.